The following is an entry in ClinVar:

NM_007294.4(BRCA1):c.81-11T>G

Gene: BRCA1 (BRCA1 DNA repair associated; minus strand). Cytogenetic location: 17q21.31.
Variant type: single nucleotide variant.
Coding change: c.81-11T>G on transcript NM_007294.4 (MANE Select); 11 bases into the intron before coding-DNA position 81, T replaced by G.
Molecular consequence: intron variant.
Genome position (GRCh38, 1-based): chr17:43,115,790, A>C on the plus strand (T>G on the coding strand, the complement: BRCA1 is on the minus strand). VCF-style: chr17-43115790-A-C. GRCh37 (hg19) VCF-style: chr17-41267807-A-C.
Other names: c.-61-11T>G (NM_001408458.1, NM_001408470.1, NM_001407848.1 and 47 more transcripts); c.-219+9487T>G (NM_001407967.1); c.-170+9487T>G (NM_001407959.1); c.-7-9257T>G (NM_001407931.1, NM_001407747.1, NM_001408511.1 and 2 more transcripts); c.-223-11T>G (NM_001407962.1, NM_001408512.1, NM_001408510.1 and 1 more transcripts); c.-108-11T>G (NM_001407885.1, NM_001407886.1, NM_001408509.1 and 52 more transcripts); c.-177-11T>G (NM_001407746.1, NM_001408468.1, NM_001407842.1 and 13 more transcripts); c.-8+8227T>G (NM_001408461.1, NM_001407738.1, NM_001407932.1 and 23 more transcripts); and 10 more.
Identifiers: ClinVar variation 867452 (VCV000867452.3), dbSNP rs767144634, ClinGen allele CA916081044.

Conditions:
Breast-ovarian cancer, familial, susceptibility to, 1 (BROVCA1). Also called: BRCA1 Hereditary Breast and Ovarian Cancer; OVARIAN CANCER, SUSCEPTIBILITY TO. Identifiers: Orphanet 145, MedGen C2676676, MONDO:0011450, OMIM 604370. Disease mechanism: loss of function.

Submission:

Brotman Baty Institute, University of Washington
No classification provided (evidence only). Condition: Breast-ovarian cancer, familial 1. Review status: no classification provided. Collection method: in vitro. Allele origin: not applicable. Functional consequence: functionally_normal.
ClinVar note: "not provided" was previously submitted as the classification for the variant. However, the classification appeared to be based only on an observation of functional data so it was converted to no classification on 2025-07-30.